The following is an entry in ClinVar:

ClinVar aggregate classification (germline): Pathogenic. Review status: criteria provided, multiple submitters, no conflicts (2 of 4 stars). 7 submissions from 7 submitters: Pathogenic (6). 1 of the submissions does not count toward it. Last evaluated 2026-09-16.

Conditions:
Bardet-Biedl syndrome (BBS). Identifiers: Orphanet 110, MedGen C0752166, MONDO:0015229.
BBS10-related disorder. Also called: BBS10-related condition.
Bardet-Biedl syndrome 10 (BBS10). Identifiers: Orphanet 110, MedGen C1859568, MONDO:0014438, OMIM 615987.

Allele frequency attached by ClinVar (database versions not stated): gnomAD below 0.00001 and 0.00001; gnomAD exomes 0.00001.

Submissions (7):

Genetics Laboratory, Great Ormond Street Hospital NHS Foundation Trust, North Thames Genomic Laboratory Hub
Classification: Pathogenic for Bardet Biedl syndrome. Last evaluated: 2026-09-16. Review status: criteria provided, single submitter. Criteria: ACGS Best Practice Guidelines for Variant Classification in Rare Disease 2024 v1.2. Collection method: clinical testing. Allele origin: germline. Affected: yes.
Comment: PM2_moderate, PVS1_strong, PM3_strong

Labcorp Genetics (formerly Invitae), Labcorp
Classification: Pathogenic for Bardet-Biedl syndrome. Last evaluated: 2025-04-28. Review status: criteria provided, single submitter. Criteria: Invitae Variant Classification Sherloc (09022015). Collection method: clinical testing. Allele origin: germline.
Comment: This sequence change creates a premature translational stop signal (p.Tyr559*) in the BBS10 gene. While this is not anticipated to result in nonsense mediated decay, it is expected to disrupt the last 165 amino acid(s) of the BBS10 protein. This variant is not present in population databases (gnomAD no frequency). This premature translational stop signal has been observed in individual(s) with Bardet-Biedl syndrome (PMID: 20472660, 21052717, 27788217, 28808579). ClinVar contains an entry for this variant (Variation ID: 625446). For these reasons, this variant has been classified as Pathogenic.

Natera, Inc.
Classification: Pathogenic for Bardet-Biedl syndrome type 10. Last evaluated: 2024-03-11. Review status: criteria provided, single submitter. Criteria: Natera Variant Classification Schema (03/2026). Collection method: clinical testing. Allele origin: germline.
Comment: The c.1676dupA variant in BBS10 is a frameshift variant predicted to shift the reading frame and introduce a stop codon. This variant is expected to result in nonsense mediated decay, truncation, or a dysfunctional protein product. This variant is rare in the general population with a frequency below the threshold expected for the associated phenotype(s). This variant has been observed in one or more individuals affected with the associated recessive disease, as either homozygous or compound heterozygous with a second variant (PMID: 21052717, 27659767). Given the available evidence, this variant is classified as Pathogenic.

Women's Health and Genetics/Laboratory Corporation of America, LabCorp
Classification: Pathogenic for Bardet-Biedl syndrome. Last evaluated: 2022-05-16. Review status: criteria provided, single submitter. Criteria: LabCorp Variant Classification Summary - May 2015. Collection method: clinical testing. Allele origin: germline.
Comment: Variant summary: BBS10 c.1676dupA (p.Tyr559X) located in exon 2 of a two exon gene results in a premature termination codon, predicted to cause a truncation of the encoded protein or absence of the protein due to nonsense mediated decay, which are commonly known mechanisms for disease. The variant was absent in 250828 control chromosomes. c.1676dupA has been reported in the literature in individuals affected with Bardet-Biedl Syndrome (example, Billingsley_2010, Janssen_2011, Daniels_2012, Knopp_2015). These data indicate that the variant is likely to be associated with disease. To our knowledge, no experimental evidence demonstrating an impact on protein function has been reported. Three clinical diagnostic laboratories have submitted clinical-significance assessments for this variant to ClinVar after 2014 without evidence for independent evaluation. All laboratories classified the variant as pathogenic. Based on the evidence outlined above, the variant was classified as pathogenic.

Fulgent Genetics
Classification: Pathogenic for Bardet-Biedl syndrome 10. Last evaluated: 2022-04-18. Review status: criteria provided, single submitter. Criteria: ACMG Guidelines, 2015. Collection method: clinical testing. Allele origin: unknown.

MAGI'S LAB - Medical Genetics Laboratory, MAGI GROUP
Classification: Pathogenic for Bardet-Biedl syndrome. Last evaluated: 2018-10-01. Review status: criteria provided, single submitter. Criteria: ACMG Guidelines, 2015. Collection method: clinical testing. Allele origin: germline. Affected: yes.

PreventionGenetics, part of Exact Sciences
Classification: Pathogenic for BBS10-related condition. Last evaluated: 2024-08-08. Review status: no assertion criteria provided. Collection method: clinical testing. Allele origin: germline. Not counted in ClinVar's aggregate classification.
Comment: The BBS10 c.1676dupA variant is predicted to result in premature protein termination (p.Tyr559*). This variant has been reported in at least one individual with Bardet-Biedl syndrome (Janssen et al. 2011. PubMed ID: 21052717). This variant has not been reported in a large population database, indicating this variant is rare. Nonsense variants in BBS10 are expected to be pathogenic. This variant is interpreted as pathogenic.

Literature cited by the submitters: PubMed 20472660 (cited by Labcorp Genetics (formerly Invitae), Labcorp and Women's Health and Genetics/Laboratory Corporation of America, LabCorp); PubMed 21052717 (cited by 3 submitters); PubMed 27788217 (cited by Labcorp Genetics (formerly Invitae), Labcorp); PubMed 28808579 (cited by Labcorp Genetics (formerly Invitae), Labcorp); PubMed 27659767 (cited by Natera, Inc.); PubMed 22410627 (cited by Women's Health and Genetics/Laboratory Corporation of America, LabCorp); PubMed 21344540 (cited by Women's Health and Genetics/Laboratory Corporation of America, LabCorp); PubMed 26003401 (cited by Women's Health and Genetics/Laboratory Corporation of America, LabCorp); PubMed 20805367 (cited by MAGI'S LAB - Medical Genetics Laboratory, MAGI GROUP).

NM_024685.4(BBS10):c.1676dup (p.Tyr559Ter)

Gene: BBS10 (Bardet-Biedl syndrome 10; minus strand). Cytogenetic location: 12q21.2.
Variant type: Duplication.
Coding change: c.1676dup on transcript NM_024685.4 (MANE Select); coding-DNA position 1676, one base duplicated (A; older notation c.1676dupA).
Protein change: p.Tyr559Ter; replaces tyrosine 559 with a stop codon.
Molecular consequence: nonsense.
Genome position (GRCh38, 1-based): chr12:76,346,309, T duplicated on the plus strand (A on the coding strand, the reverse complement: BBS10 is on the minus strand). VCF-style (leftmost placement, unchanged base first): chr12-76346308-G-GT. GRCh37 (hg19) VCF-style: chr12-76740088-G-GT.
Other names: short protein forms Y559*.
Identifiers: ClinVar variation 625446 (VCV000625446.18), dbSNP rs1565809478, ClinGen allele CA913191137.
Genomic context (GRCh38, chr12:76,346,308, plus strand): 5'-CTTACAGCTCACTGGTAACATGCTTCCCTTTCTAGTAATATTTGTGACCTGTAAATTTTC[G>GT]TAAGAAATTTCTATTCTATTTCCCCTTGTTGAATAAGCAGTGGAATTGTTCTTGAGTAAT-3'